The following is an entry in ClinVar:

NM_013266.4(CTNNA3):c.269C>T (p.Ser90Leu)

Gene: CTNNA3 (catenin alpha 3; minus strand). Cytogenetic location: 10q21.3.
Variant type: single nucleotide variant.
Coding change: c.269C>T on transcript NM_013266.4 (MANE Select); coding-DNA position 269, C replaced by T.
Protein change: p.Ser90Leu; replaces serine 90 with leucine.
Molecular consequence: missense variant.
Genome position (GRCh38, 1-based): chr10:67,606,880, G>A on the plus strand (C>T on the coding strand, the complement: CTNNA3 is on the minus strand). VCF-style: chr10-67606880-G-A. GRCh37 (hg19) VCF-style: chr10-69366638-G-A.
Other names: c.269C>T, p.Ser90Leu (NM_001127384.3); c.305C>T, p.Ser102Leu (NM_001291133.2); short protein forms S90L, S102L.
Identifiers: ClinVar variation 4743867 (VCV004743867.1).

ClinVar aggregate classification (germline): Uncertain significance (1 of 4 stars; one submission).

Conditions:
Arrhythmogenic right ventricular dysplasia 13. Also called: ARRHYTHMOGENIC RIGHT VENTRICULAR CARDIOMYOPATHY 13; Arrhythmogenic right ventricular dysplasia, familial, 13. Identifiers: MedGen C3810138, MONDO:0000908, OMIM 615616.

Submission:

Labcorp Genetics (formerly Invitae), Labcorp
Classification: Uncertain significance for Arrhythmogenic right ventricular dysplasia 13. Last evaluated: 2025-06-27. Review status: criteria provided, single submitter. Criteria: Invitae Variant Classification Sherloc (09022015). Collection method: clinical testing. Allele origin: germline.
Comment: This sequence change replaces serine, which is neutral and polar, with leucine, which is neutral and non-polar, at codon 90 of the CTNNA3 protein (p.Ser90Leu). This variant is not present in population databases (gnomAD no frequency). This variant has not been reported in the literature in individuals affected with CTNNA3-related conditions. Invitae Evidence Modeling of protein sequence and biophysical properties (such as structural, functional, and spatial information, amino acid conservation, physicochemical variation, residue mobility, and thermodynamic stability) indicates that this missense variant is not expected to disrupt CTNNA3 protein function with a negative predictive value of 80%. In summary, the available evidence is currently insufficient to determine the role of this variant in disease. Therefore, it has been classified as a Variant of Uncertain Significance.